The following is an entry in ClinVar:

NM_024809.5(TCTN2):c.72G>A (p.Trp24Ter)

Gene: TCTN2 (tectonic family member 2; plus strand). Cytogenetic location: 12q24.31.
Variant type: single nucleotide variant.
Coding change: c.72G>A on transcript NM_024809.5 (MANE Select); coding-DNA position 72, G replaced by A.
Protein change: p.Trp24Ter; replaces tryptophan 24 with a stop codon.
Molecular consequence: nonsense.
Genome position (GRCh38, 1-based): chr12:123,671,312, G>A. VCF-style: chr12-123671312-G-A. GRCh37 (hg19) VCF-style: chr12-124155859-G-A.
Other names: c.72G>A, p.Trp24Ter (NM_001143850.3); short protein forms W24*.
Identifiers: ClinVar variation 938022 (VCV000938022.8), dbSNP rs1955746650, ClinGen allele CA387154925.

ClinVar aggregate classification (germline): Pathogenic (1 of 4 stars; one submission).

Conditions:
Meckel-Gruber syndrome. Also called: Dysencephalia splachnocystica; DYSENCEPHALIA SPLANCHNOCYSTICA; GRUBER SYNDROME. Identifiers: Orphanet 564, MedGen C0265215, MONDO:0018921.
Joubert syndrome. Also called: Familial aplasia of the vermis; CEREBELLOPARENCHYMAL DISORDER IV; JOUBERT-BOLTSHAUSER SYNDROME. Identifiers: Orphanet 475, MedGen C5979921, MONDO:0018772.

Submission:

Labcorp Genetics (formerly Invitae), Labcorp
Classification: Pathogenic for Joubert syndrome; Meckel-Gruber syndrome. Last evaluated: 2019-06-02. Review status: criteria provided, single submitter. Criteria: Invitae Variant Classification Sherloc (09022015). Collection method: clinical testing. Allele origin: germline.
Comment: This variant has not been reported in the literature in individuals with TCTN2-related conditions. For these reasons, this variant has been classified as Pathogenic. Loss-of-function variants in TCTN2 are known to be pathogenic (PMID: 21565611). This variant is not present in population databases (ExAC no frequency). This sequence change creates a premature translational stop signal (p.Trp24*) in the TCTN2 gene. It is expected to result in an absent or disrupted protein product.

Literature cited by the submitters: PubMed 21565611.